The following is an entry in ClinVar:

ClinVar aggregate classification (germline): Conflicting classifications of pathogenicity. Review status: criteria provided, conflicting classifications (1 of 4 stars). 2 submissions from 2 submitters: Uncertain significance (1); Likely benign (1). Last evaluated 2024-08-01.

Conditions:
Cardiovascular phenotype. Identifiers: MedGen CN230736.
Long QT syndrome (LQTS). Identifiers: MedGen C0023976, MeSH D008133, MONDO:0002442. Disease mechanism: loss of function. Inheritance: Various modes of inheritance.

Allele frequency attached by ClinVar (database versions not stated): gnomAD exomes below 0.00001.
gnomAD v4.1: 2 of 1,609,470 alleles (0.00012%); highest among the groups gnomAD compares: Non-Finnish European, 0.00017%; no homozygotes.

Submissions (2):

Ambry Genetics
Classification: Uncertain significance for Cardiovascular phenotype. Last evaluated: 2024-08-01. Review status: criteria provided, single submitter. Criteria: Ambry Variant Classification Scheme 2023. Collection method: clinical testing. Allele origin: germline.
Comment: The c.1227G>C variant (also known as p.L409L), located in coding exon 2 of the KCNJ5 gene, results from a G to C substitution at nucleotide position 1227. This nucleotide substitution does not change the leucine at codon 409. This nucleotide position is not well conserved in available vertebrate species. In silico splice site analysis predicts that this alteration may result in the creation or strengthening of a novel splice donor site. Since supporting evidence is limited at this time, the clinical significance of this alteration remains unclear.

Labcorp Genetics (formerly Invitae), Labcorp
Classification: Likely benign for Long QT syndrome. Last evaluated: 2023-01-23. Review status: criteria provided, single submitter. Criteria: Invitae Variant Classification Sherloc (09022015). Collection method: clinical testing. Allele origin: germline.

NM_000890.5(KCNJ5):c.1227G>C (p.Leu409=)

Gene: KCNJ5 (potassium inwardly rectifying channel subfamily J member 5; plus strand). Cytogenetic location: 11q24.3.
Variant type: single nucleotide variant.
Coding change: c.1227G>C on transcript NM_000890.5 (MANE Select); coding-DNA position 1227, G replaced by C.
Protein change: p.Leu409=; no amino-acid change (leucine 409 retained).
Molecular consequence: synonymous variant.
Genome position (GRCh38, 1-based): chr11:128,916,698, G>C. VCF-style: chr11-128916698-G-C. GRCh37 (hg19) VCF-style: chr11-128786593-G-C.
Other names: c.1227G>C, p.Leu409= (NM_001354169.2).
Identifiers: ClinVar variation 1754605 (VCV001754605.8), dbSNP rs947811319, ClinGen allele CA477704236.